The following is an entry in ClinVar:

NM_001127453.2(GSDME):c.1116G>A (p.Pro372=)

Gene: GSDME (gasdermin E; minus strand). Cytogenetic location: 7p15.3.
Variant type: single nucleotide variant.
Coding change: c.1116G>A on transcript NM_001127453.2 (MANE Select); coding-DNA position 1116, G replaced by A.
Protein change: p.Pro372=; no amino-acid change (proline 372 retained).
Molecular consequence: synonymous variant.
Genome position (GRCh38, 1-based): chr7:24,706,251, C>T on the plus strand (G>A on the coding strand, the complement: GSDME is on the minus strand). VCF-style: chr7-24706251-C-T. GRCh37 (hg19) VCF-style: chr7-24745870-C-T.
Other names: c.624G>A, p.Pro208= (NM_001127454.2, NM_001438059.1); c.1116G>A, p.Pro372= (NM_004403.3); c.1116G>A (NM_004403.2).
Identifiers: ClinVar variation 4747764 (VCV004747764.2).

ClinVar aggregate classification (germline): Likely benign. Review status: criteria provided, multiple submitters, no conflicts (2 of 4 stars). 2 submissions from 2 submitters: Likely benign (2). Last evaluated 2025-08-15.

Conditions:
GSDME-related disorder. Also called: GSDME-related condition.

gnomAD v4.1: 79 of 1,614,220 alleles (0.0049%); highest among the groups gnomAD compares: African/African-American, 0.044%; 1 homozygote.

Submissions (2):

Labcorp Genetics (formerly Invitae), Labcorp
Classification: Likely benign. Last evaluated: 2025-08-15. Review status: criteria provided, single submitter. Criteria: Invitae Variant Classification Sherloc (09022015). Collection method: clinical testing. Allele origin: germline.

PreventionGenetics, part of Exact Sciences
Classification: Likely benign for GSDME-related condition. Last evaluated: 2024-10-29. Review status: criteria provided, single submitter. Criteria: ACMG Guidelines, 2015. Collection method: clinical testing. Allele origin: germline.
Comment: This variant is classified as likely benign based on ACMG/AMP sequence variant interpretation guidelines (Richards et al. 2015 PMID: 25741868, with internal and published modifications).